The following is an entry in ClinVar:

ClinVar aggregate classification (germline): Conflicting classifications of pathogenicity. Review status: criteria provided, conflicting classifications (1 of 4 stars). 2 submissions from 2 submitters: Uncertain significance (1); Likely benign (1). Last evaluated 2025-02-25.

Submissions (2):

Quest Diagnostics Nichols Institute San Juan Capistrano
Classification: Uncertain significance. Last evaluated: 2025-02-25. Review status: criteria provided, single submitter. Criteria: Quest Diagnostics criteria. Collection method: clinical testing. Allele origin: unknown.
Comment: The FANCM c.270A>G (p.Pro90=) synonymous variant has not been reported in individuals with FANCM-related conditions in the published literature. It also has not been reported in large, multi-ethnic general populations (Genome Aggregation Database). Analysis of this variant using software algorithms for the prediction of the effect of nucleotide changes on FANCM mRNA splicing yielded predictions that this variant may result in the gain of a cryptic splice site without affecting the natural splice sites. Based on the available information, we are unable to determine the clinical significance of this variant.

CeGaT Center for Human Genetics Tuebingen
Classification: Likely benign. Last evaluated: 2024-10-01. Review status: criteria provided, single submitter. Criteria: CeGaT Center For Human Genetics Tuebingen Variant Classification Criteria Version 2. Collection method: clinical testing. Allele origin: germline. Affected: yes. Observed: 1 variant allele.
Comment: FANCM: PM2:Supporting, BP4, BP7

NM_020937.4(FANCM):c.270A>G (p.Pro90=)

Gene: FANCM (FA complementation group M; plus strand). Cytogenetic location: 14q21.2.
Variant type: single nucleotide variant.
Coding change: c.270A>G on transcript NM_020937.4 (MANE Select); coding-DNA position 270, A replaced by G.
Protein change: p.Pro90=; no amino-acid change (proline 90 retained).
Molecular consequence: synonymous variant.
Genome position (GRCh38, 1-based): chr14:45,136,301, A>G. VCF-style: chr14-45136301-A-G. GRCh37 (hg19) VCF-style: chr14-45605504-A-G.
Other names: c.270A>G, p.Pro90= (NM_001308133.2, NM_001308134.2); c.270A>G (NM_020937.3).
Identifiers: ClinVar variation 3389909 (VCV003389909.15).